The following is an entry in ClinVar:

NM_173660.5(DOK7):c.1244C>G (p.Pro415Arg)

Gene: DOK7 (docking protein 7; plus strand). Cytogenetic location: 4p16.3.
Variant type: single nucleotide variant.
Coding change: c.1244C>G on transcript NM_173660.5 (MANE Select); coding-DNA position 1244, C replaced by G.
Protein change: p.Pro415Arg; replaces proline 415 with arginine.
Molecular consequence: missense variant. On other transcripts: 3 prime UTR variant (1).
Genome position (GRCh38, 1-based): chr4:3,493,230, C>G. VCF-style: chr4-3493230-C-G. GRCh37 (hg19) VCF-style: chr4-3494957-C-G.
Other names: c.1244C>G (NM_173660.4); c.*465C>G (NM_001164673.2); c.314C>G, p.Pro105Arg (NM_001256896.2); c.1244C>G, p.Pro415Arg (NM_001301071.2); c.812C>G, p.Pro271Arg (NM_001363811.2); short protein forms P105R, P271R, P415R.
Identifiers: ClinVar variation 1449538 (VCV001449538.13), dbSNP rs142510199, ClinGen allele CA2829427.

ClinVar aggregate classification (germline): Uncertain significance. Review status: criteria provided, multiple submitters, no conflicts (2 of 4 stars). 3 submissions from 3 submitters: Uncertain significance (3). Last evaluated 2024-07-16.

Conditions:
Inborn genetic diseases. Identifiers: MedGen C0950123, MeSH D030342.
Fetal akinesia deformation sequence 1 (FADS1). Also called: Pena-Shokeir syndrome type I; Fetal akinesia sequence. Identifiers: Orphanet 994, MedGen C1276035, MONDO:0100101, OMIM 208150, HP:0001989.
Congenital myasthenic syndrome 10. Also called: Myasthenia, limb-girdle, familial. Identifiers: Orphanet 590, MedGen C1850792, MONDO:0009690, OMIM 254300.

Allele frequency attached by ClinVar (database versions not stated): ExAC 0.00002; gnomAD exomes 0.00002; 1000 Genomes Project 30x 0.00016; 1000 Genomes Project 0.00020.
gnomAD v4.1: 64 of 1,612,058 alleles (0.004%); highest among the groups gnomAD compares: Non-Finnish European, 0.0052%; no homozygotes.

Submissions (3):

Ambry Genetics
Classification: Uncertain significance for Inborn genetic diseases. Last evaluated: 2024-07-16. Review status: criteria provided, single submitter. Criteria: Ambry Variant Classification Scheme 2023. Collection method: clinical testing. Allele origin: germline.

Labcorp Genetics (formerly Invitae), Labcorp
Classification: Uncertain significance for Congenital myasthenic syndrome 10; Fetal akinesia deformation sequence 1. Last evaluated: 2022-06-20. Review status: criteria provided, single submitter. Criteria: Invitae Variant Classification Sherloc (09022015). Collection method: clinical testing. Allele origin: germline.
Comment: This sequence change replaces proline, which is neutral and non-polar, with arginine, which is basic and polar, at codon 415 of the DOK7 protein (p.Pro415Arg). This variant is present in population databases (rs142510199, gnomAD 0.005%). This variant has not been reported in the literature in individuals affected with DOK7-related conditions. Algorithms developed to predict the effect of missense changes on protein structure and function are either unavailable or do not agree on the potential impact of this missense change (SIFT: "Deleterious"; PolyPhen-2: "Possibly Damaging"; Align-GVGD: "Class C0"). In summary, the available evidence is currently insufficient to determine the role of this variant in disease. Therefore, it has been classified as a Variant of Uncertain Significance.

Revvity Omics, Revvity
Classification: Uncertain significance. Last evaluated: 2019-06-27. Review status: criteria provided, single submitter. Criteria: ACMG Guidelines, 2015. Collection method: clinical testing. Allele origin: germline.